The following is an entry in ClinVar:

ClinVar aggregate classification (germline): Pathogenic/Likely pathogenic. Review status: criteria provided, multiple submitters, no conflicts (2 of 4 stars). 3 submissions from 3 submitters: Pathogenic (2); Likely pathogenic (1). Last evaluated 2025-05-29.

Conditions:
Familial cancer of breast. Also called: BREAST CANCER, FAMILIAL; Hereditary breast cancer; hereditary breast carcinoma. Identifiers: Orphanet 227535, MedGen C0346153, MONDO:0016419, OMIM 114480. Disease mechanism: loss of function.
Hereditary cancer-predisposing syndrome. Also called: Hereditary Cancer Syndrome; Hereditary neoplastic syndrome; Neoplastic Syndromes, Hereditary; Tumor predisposition. Identifiers: Orphanet 140162, MedGen C0027672, MeSH D009386, MONDO:0015356.
Ataxia-telangiectasia syndrome (AT). Also called: LOUIS-BAR SYNDROME; Cerebello-oculocutaneous telangiectasia; Immunodeficiency with ataxia telangiectasia; Ataxia-telangiectasia, complementation group E; Ataxia-telangiectasia, complementation group D; AT, COMPLEMENTATION GROUP C. Identifiers: Orphanet 100, MedGen C0004135, MONDO:0008840, OMIM 208900.

Submissions (3):

Ambry Genetics
Classification: Pathogenic for Hereditary cancer-predisposing syndrome. Last evaluated: 2025-05-29. Review status: criteria provided, single submitter. Criteria: Ambry Variant Classification Scheme 2023. Collection method: clinical testing. Allele origin: germline.
Comment: The c.8315delG pathogenic mutation, located in coding exon 56 of the ATM gene, results from a deletion of one nucleotide at nucleotide position 8315, causing a translational frameshift with a predicted alternate stop codon (p.G2772Efs*34). This variant is considered to be rare based on population cohorts in the Genome Aggregation Database (gnomAD). This alteration is expected to result in loss of function by premature protein truncation or nonsense-mediated mRNA decay. As such, this alteration is interpreted as a disease-causing mutation.

Labcorp Genetics (formerly Invitae), Labcorp
Classification: Pathogenic for Ataxia-telangiectasia syndrome. Last evaluated: 2025-04-01. Review status: criteria provided, single submitter. Criteria: Invitae Variant Classification Sherloc (09022015). Collection method: clinical testing. Allele origin: germline.
Comment: This sequence change creates a premature translational stop signal (p.Gly2772Glufs*34) in the ATM gene. It is expected to result in an absent or disrupted protein product. Loss-of-function variants in ATM are known to be pathogenic (PMID: 23807571, 25614872). This variant is not present in population databases (gnomAD no frequency). This variant has not been reported in the literature in individuals affected with ATM-related conditions. ClinVar contains an entry for this variant (Variation ID: 2506475). Algorithms developed to predict the effect of sequence changes on RNA splicing suggest that this variant may disrupt the consensus splice site. For these reasons, this variant has been classified as Pathogenic.

Eurofins-Biomnis
Classification: Likely pathogenic for Familial cancer of breast. Last evaluated: 2022-09-23. Review status: criteria provided, single submitter. Criteria: Accession Criteria ClinVar Biomnis. Collection method: clinical testing. Allele origin: germline. Affected: yes. Observed: 1 heterozygote.

Literature cited by the submitters: PubMed 23807571 (cited by Labcorp Genetics (formerly Invitae), Labcorp); PubMed 25614872 (cited by Labcorp Genetics (formerly Invitae), Labcorp).

NM_000051.4(ATM):c.8315del (p.Gly2772fs)

Genes: ATM (ATM serine/threonine kinase; plus strand), C11orf65 (chromosome 11 open reading frame 65; minus strand). Cytogenetic location: 11q22.3.
Variant type: Deletion.
Coding change: c.8315del on transcript NM_000051.4 (MANE Select); coding-DNA position 8315, one base deleted (G; older notation c.8315delG).
Protein change: p.Gly2772fs; shifts the reading frame from glycine 2772.
Molecular consequence: frameshift variant. On other transcripts: intron variant (2).
Genome position (GRCh38, 1-based): chr11:108,343,268, G deleted; the last of 2 consecutive G bases (chr11:108,343,267-108,343,268); deleting either gives the same sequence. VCF-style (leftmost placement, unchanged base first): chr11-108343266-AG-A. GRCh37 (hg19) VCF-style: chr11-108213993-AG-A.
Other names: c.8315del, p.Gly2772fs (NM_001351834.2); c.641-34196del (NM_001330368.2); c.695-7975del (NM_001351110.2); short protein forms G2772fs.
Identifiers: ClinVar variation 2506475 (VCV002506475.2), dbSNP rs2136944431, ClinGen allele CA645598128.